The following is an entry in ClinVar:

ClinVar aggregate classification (germline): Uncertain significance (1 of 4 stars; one submission).

Conditions:
Joubert syndrome 15 (JBTS15). Identifiers: Orphanet 475, MedGen C3280897, MONDO:0013763, OMIM 614464.

Allele frequency attached by ClinVar (database versions not stated): TOPMed 0.00001.

Submission:

Labcorp Genetics (formerly Invitae), Labcorp
Classification: Uncertain significance for Joubert syndrome 15. Last evaluated: 2021-03-09. Review status: criteria provided, single submitter. Criteria: Invitae Variant Classification Sherloc (09022015). Collection method: clinical testing. Allele origin: germline.
Comment: This sequence change replaces serine with proline at codon 333 of the CEP41 protein (p.Ser333Pro). The serine residue is moderately conserved and there is a moderate physicochemical difference between serine and proline. This variant is not present in population databases (ExAC no frequency). This variant has not been reported in the literature in individuals with CEP41-related conditions. Algorithms developed to predict the effect of missense changes on protein structure and function (SIFT, PolyPhen-2, Align-GVGD) all suggest that this variant is likely to be tolerated, but these predictions have not been confirmed by published functional studies and their clinical significance is uncertain. In summary, the available evidence is currently insufficient to determine the role of this variant in disease. Therefore, it has been classified as a Variant of Uncertain Significance.

NM_018718.3(CEP41):c.997T>C (p.Ser333Pro)

Gene: CEP41 (centrosomal protein 41; minus strand). Cytogenetic location: 7q32.2.
Variant type: single nucleotide variant.
Coding change: c.997T>C on transcript NM_018718.3 (MANE Select); coding-DNA position 997, T replaced by C.
Protein change: p.Ser333Pro; replaces serine 333 with proline.
Molecular consequence: missense variant. On other transcripts: non-coding transcript variant (1).
Genome position (GRCh38, 1-based): chr7:130,399,016, A>G on the plus strand (T>C on the coding strand, the complement: CEP41 is on the minus strand). VCF-style: chr7-130399016-A-G. GRCh37 (hg19) VCF-style: chr7-130038857-A-G.
Other names: c.781T>C, p.Ser261Pro (NM_001257158.2); c.733T>C, p.Ser245Pro (NM_001257159.2); short protein forms S245P, S261P, S333P.
Identifiers: ClinVar variation 941249 (VCV000941249.9), dbSNP rs1796760925, ClinGen allele CA369286831.
Genomic context (GRCh38, chr7:130,399,016, plus strand): 5'-GGCCGCCACCTGGCAGATTCTGAGCGCTTCGGGCACCAGGCACCTTGGACTCTCTTCCGG[A>G]GGAGTTAGCTTGGTTCAGTCGGCCTGAAGGGAGCAAGAAAGAAGGAACAGAGCTGCAAGA-3'
Protein context (NP_061188.1, residues 323-343): HPSRLNQANS[Ser333Pro]GRESKVPGAR